The following is an entry in ClinVar:

NM_024664.4(PPCS):c.706C>T (p.Pro236Ser)

Genes: CCDC30 (coiled-coil domain containing 30; plus strand), PPCS (phosphopantothenoylcysteine synthetase; plus strand). Cytogenetic location: 1p34.2.
Variant type: single nucleotide variant.
Coding change: c.706C>T on transcript NM_024664.4 (MANE Select); coding-DNA position 706, C replaced by T.
Protein change: p.Pro236Ser; replaces proline 236 with serine.
Molecular consequence: missense variant. On other transcripts: intron variant (2).
Genome position (GRCh38, 1-based): chr1:42,459,696, C>T. VCF-style: chr1-42459696-C-T. GRCh37 (hg19) VCF-style: chr1-42925367-C-T.
Other names: c.187C>T, p.Pro63Ser (NM_001077447.3, NM_001287506.1, NM_001287508.2 and 2 more transcripts); c.88C>T, p.Pro30Ser (NM_001287507.1); c.-880+2346C>T (NM_001355226.2); c.612+2346C>T (NM_001287511.2); short protein forms P63S, P30S, P236S.
Identifiers: ClinVar variation 1406900 (VCV001406900.4), dbSNP rs781102134, ClinGen allele CA800058.

ClinVar aggregate classification (germline): Uncertain significance (1 of 4 stars; one submission).

Allele frequency attached by ClinVar (database versions not stated): ExAC 0.00002; TOPMed below 0.00001; gnomAD 0.00001; gnomAD exomes 0.00002.
gnomAD v4.1: 7 of 1,613,964 alleles (0.00043%); highest among the groups gnomAD compares: Admixed American, 0.012%; no homozygotes.

Submission:

Labcorp Genetics (formerly Invitae), Labcorp
Classification: Uncertain significance. Last evaluated: 2021-11-12. Review status: criteria provided, single submitter. Criteria: Invitae Variant Classification Sherloc (09022015). Collection method: clinical testing. Allele origin: germline.
Comment: This sequence change replaces proline, which is neutral and non-polar, with serine, which is neutral and polar, at codon 236 of the PPCS protein (p.Pro236Ser). This variant is present in population databases (rs781102134, gnomAD 0.02%). This variant has not been reported in the literature in individuals affected with PPCS-related conditions. Algorithms developed to predict the effect of missense changes on protein structure and function are either unavailable or do not agree on the potential impact of this missense change (SIFT: "Tolerated"; PolyPhen-2: "Possibly Damaging"; Align-GVGD: "Class C0"). In summary, the available evidence is currently insufficient to determine the role of this variant in disease. Therefore, it has been classified as a Variant of Uncertain Significance.